The following is an entry in ClinVar:

ClinVar aggregate classification (germline): Uncertain significance. Review status: criteria provided, multiple submitters, no conflicts (2 of 4 stars). 2 submissions from 2 submitters: Uncertain significance (2). Last evaluated 2026-01-11.

Allele frequency attached by ClinVar (database versions not stated): gnomAD exomes 0.00003; gnomAD 0.00007; ExAC 0.00002; TOPMed 0.00006.
gnomAD v4.1: 63 of 1,612,320 alleles (0.0039%); highest among the groups gnomAD compares: African/African-American, 0.0053%; no homozygotes.

Submissions (2):

Labcorp Genetics (formerly Invitae), Labcorp
Classification: Uncertain significance. Last evaluated: 2026-01-11. Review status: criteria provided, single submitter. Criteria: Invitae Variant Classification Sherloc (09022015). Collection method: clinical testing. Allele origin: germline.
Comment: This sequence change affects a donor splice site in intron 15 of the SRP72 gene. It is expected to disrupt RNA splicing. Variants that disrupt the donor or acceptor splice site typically lead to a loss of protein function (PMID: 16199547), however the current clinical and genetic evidence is not sufficient to establish whether loss-of-function variants in SRP72 cause disease. This variant is present in population databases (rs750937171, gnomAD 0.003%). Disruption of this splice site has been observed in individual(s) with bone marrow failure (PMID: 41472573). ClinVar contains an entry for this variant (Variation ID: 3007423). Studies have shown that disruption of this splice site alters mRNA splicing and is expected to lead to the loss of protein expression (PMID: 41472573). In summary, the available evidence is currently insufficient to determine the role of this variant in disease. Therefore, it has been classified as a Variant of Uncertain Significance.

GeneDx
Classification: Uncertain significance. Last evaluated: 2023-11-30. Review status: criteria provided, single submitter. Criteria: GeneDx Variant Classification Process June 2021. Collection method: clinical testing. Allele origin: germline. Affected: yes.
Comment: Canonical splice site variant in a gene for which loss-of-function is not an established mechanism of disease; Has not been previously published as pathogenic or benign to our knowledge; Not observed at significant frequency in large population cohorts (gnomAD)

Literature cited by the submitters: PubMed 16199547 (cited by Labcorp Genetics (formerly Invitae), Labcorp); PubMed 41472573 (cited by Labcorp Genetics (formerly Invitae), Labcorp).

NM_006947.4(SRP72):c.1502+1G>A

Gene: SRP72 (signal recognition particle 72; plus strand). Cytogenetic location: 4q12.
Variant type: single nucleotide variant.
Coding change: c.1502+1G>A on transcript NM_006947.4 (MANE Select); the canonical splice donor site of the intron after coding-DNA position 1502, G replaced by A.
Molecular consequence: splice donor variant.
Genome position (GRCh38, 1-based): chr4:56,490,646, G>A. VCF-style: chr4-56490646-G-A. GRCh37 (hg19) VCF-style: chr4-57356812-G-A.
Other names: c.1319+1G>A (NM_001267722.2).
Identifiers: ClinVar variation 3007423 (VCV003007423.4), dbSNP rs750937171, ClinGen allele CA2931383.